The following is an entry in ClinVar:

NM_016148.5(SHANK1):c.1274G>T (p.Gly425Val)

Gene: SHANK1 (SH3 and multiple ankyrin repeat domains 1; minus strand). Cytogenetic location: 19q13.33.
Variant type: single nucleotide variant.
Coding change: c.1274G>T on transcript NM_016148.5 (MANE Select); coding-DNA position 1274, G replaced by T.
Protein change: p.Gly425Val; replaces glycine 425 with valine.
Molecular consequence: missense variant.
Genome position (GRCh38, 1-based): chr19:50,703,779, C>A on the plus strand (G>T on the coding strand, the complement: SHANK1 is on the minus strand). VCF-style: chr19-50703779-C-A. GRCh37 (hg19) VCF-style: chr19-51207036-C-A.
Other names: short protein forms G425V.
Identifiers: ClinVar variation 3893536 (VCV003893536.1).

ClinVar aggregate classification (germline): Uncertain significance (1 of 4 stars; one submission).

Submission:

GeneDx
Classification: Uncertain significance. Last evaluated: 2024-10-23. Review status: criteria provided, single submitter. Criteria: GeneDx Variant Classification Process June 2021. Collection method: clinical testing. Allele origin: germline. Affected: yes.
Comment: Not observed at significant frequency in large population cohorts (gnomAD); In silico analysis supports that this missense variant has a deleterious effect on protein structure/function; Has not been previously published as pathogenic or benign to our knowledge